The following is an entry in ClinVar:

ClinVar aggregate classification (germline): Uncertain significance (1 of 4 stars; one submission).

Allele frequency attached by ClinVar (database versions not stated): gnomAD exomes 0.00001 and 0.00002; TOPMed 0.00001.
gnomAD v4.1: 25 of 1,614,048 alleles (0.0015%); highest among the groups gnomAD compares: East Asian, 0.0022%; no homozygotes.

Submission:

Labcorp Genetics (formerly Invitae), Labcorp
Classification: Uncertain significance. Last evaluated: 2024-08-14. Review status: criteria provided, single submitter. Criteria: Invitae Variant Classification Sherloc (09022015). Collection method: clinical testing. Allele origin: germline.
Comment: This sequence change replaces isoleucine, which is neutral and non-polar, with threonine, which is neutral and polar, at codon 270 of the PLEKHG2 protein (p.Ile270Thr). This variant is not present in population databases (gnomAD no frequency). This variant has not been reported in the literature in individuals affected with PLEKHG2-related conditions. ClinVar contains an entry for this variant (Variation ID: 1418111). An algorithm developed to predict the effect of missense changes on protein structure and function (PolyPhen-2) suggests that this variant is likely to be disruptive. In summary, the available evidence is currently insufficient to determine the role of this variant in disease. Therefore, it has been classified as a Variant of Uncertain Significance.

NM_022835.3(PLEKHG2):c.809T>C (p.Ile270Thr)

Gene: PLEKHG2 (pleckstrin homology and RhoGEF domain containing G2; plus strand). Cytogenetic location: 19q13.2.
Variant type: single nucleotide variant.
Coding change: c.809T>C on transcript NM_022835.3 (MANE Select); coding-DNA position 809, T replaced by C.
Protein change: p.Ile270Thr; replaces isoleucine 270 with threonine.
Molecular consequence: missense variant.
Genome position (GRCh38, 1-based): chr19:39,417,619, T>C. VCF-style: chr19-39417619-T-C. GRCh37 (hg19) VCF-style: chr19-39908259-T-C.
Other names: c.632T>C, p.Ile211Thr (NM_001351693.2); c.809T>C, p.Ile270Thr (NM_001351694.2); short protein forms I211T, I270T.
Identifiers: ClinVar variation 1418111 (VCV001418111.7), dbSNP rs1043538522, ClinGen allele CA308241646.
Genomic context (GRCh38, chr19:39,417,619, plus strand): 5'-TAGGGAAGCACTGGGCGGAGGGCCCAGGCACTGGGGGTCGCGAGATGGTGGAGGAAGCTA[T>C]TGTGTCCATGACAGCGGTTGCCTGGTACATCAACGACATGAAGCGCAAGCAGGAGCATGC-3'
Protein context (NP_073746.2, residues 260-280): TGGREMVEEA[Ile270Thr]VSMTAVAWYI